The following is an entry in ClinVar:

NM_001277115.2(DNAH11):c.3648+5G>T

Gene: DNAH11 (dynein axonemal heavy chain 11; plus strand). Cytogenetic location: 7p15.3.
Variant type: single nucleotide variant.
Coding change: c.3648+5G>T on transcript NM_001277115.2 (MANE Select); 5 bases into the intron after coding-DNA position 3648, G replaced by T.
Molecular consequence: intron variant.
Genome position (GRCh38, 1-based): chr7:21,601,623, G>T. VCF-style: chr7-21601623-G-T. GRCh37 (hg19) VCF-style: chr7-21641241-G-T.
Identifiers: ClinVar variation 2963855 (VCV002963855.3), dbSNP rs750834005, ClinGen allele CA2681979845.

ClinVar aggregate classification (germline): Uncertain significance (1 of 4 stars; one submission).

Conditions:
Primary ciliary dyskinesia. Also called: Ciliary dyskinesia. Identifiers: Orphanet 244, MedGen C0008780, MONDO:0016575, HP:0012265.

Submission:

Labcorp Genetics (formerly Invitae), Labcorp
Classification: Uncertain significance for Primary ciliary dyskinesia. Last evaluated: 2023-11-17. Review status: criteria provided, single submitter. Criteria: Invitae Variant Classification Sherloc (09022015). Collection method: clinical testing. Allele origin: germline.
Comment: This sequence change falls in intron 18 of the DNAH11 gene. It does not directly change the encoded amino acid sequence of the DNAH11 protein. It affects a nucleotide within the consensus splice site. This variant is not present in population databases (gnomAD no frequency). This variant has not been reported in the literature in individuals affected with DNAH11-related conditions. Variants that disrupt the consensus splice site are a relatively common cause of aberrant splicing (PMID: 17576681, 9536098). Algorithms developed to predict the effect of sequence changes on RNA splicing suggest that this variant is not likely to affect RNA splicing. In summary, the available evidence is currently insufficient to determine the role of this variant in disease. Therefore, it has been classified as a Variant of Uncertain Significance.

Literature cited by the submitters: PubMed 17576681; PubMed 9536098.